The following is an entry in ClinVar:

NM_001042492.3(NF1):c.3426del (p.Arg1142fs)

Gene: NF1 (neurofibromin 1; plus strand). Cytogenetic location: 17q11.2.
Variant type: Deletion.
Coding change: c.3426del on transcript NM_001042492.3 (MANE Select); coding-DNA position 3426, one base deleted (G; older notation c.3426delG).
Protein change: p.Arg1142fs; shifts the reading frame from arginine 1142.
Molecular consequence: frameshift variant.
Genome position (GRCh38, 1-based): chr17:31,232,811, G deleted; the last of 2 consecutive G bases (chr17:31,232,810-31,232,811); deleting either gives the same sequence. VCF-style (leftmost placement, unchanged base first): chr17-31232809-AG-A. GRCh37 (hg19) VCF-style: chr17-29559827-AG-A.
Other names: c.3426delG, p.Arg1142Serfs (NM_000267.4); c.3426delG (NM_000267.3); short protein forms R1142fs.
Identifiers: ClinVar variation 1731309 (VCV001731309.2), dbSNP rs2508232420, ClinGen allele CA2580093038.

ClinVar aggregate classification (germline): Pathogenic (1 of 4 stars; one submission).

Conditions:
Hereditary cancer-predisposing syndrome. Also called: Neoplastic Syndromes, Hereditary; Tumor predisposition; Hereditary Cancer Syndrome; Hereditary neoplastic syndrome. Identifiers: Orphanet 140162, MedGen C0027672, MeSH D009386, MONDO:0015356.
Cardiovascular phenotype. Identifiers: MedGen CN230736.

Submission:

Ambry Genetics
Classification: Pathogenic for Cardiovascular phenotype; Hereditary cancer-predisposing syndrome. Last evaluated: 2018-05-14. Review status: criteria provided, single submitter. Criteria: Ambry Variant Classification Scheme 2023. Collection method: clinical testing. Allele origin: germline.
Comment: The c.3426delG pathogenic mutation, located in coding exon 26 of the NF1 gene, results from a deletion of one nucleotide at nucleotide position 3426, causing a translational frameshift with a predicted alternate stop codon (p.R1142Sfs*16). This alteration is expected to result in loss of function by premature protein truncation or nonsense-mediated mRNA decay. As such, this alteration is interpreted as a disease-causing mutation.